The following is an entry in ClinVar:

NM_002834.5(PTPN11):c.1417del (p.Asp473fs)

Gene: PTPN11 (protein tyrosine phosphatase non-receptor type 11; plus strand). Cytogenetic location: 12q24.13.
Variant type: Deletion.
Coding change: c.1417del on transcript NM_002834.5 (MANE Select); coding-DNA position 1417, one base deleted (G; older notation c.1417delG).
Protein change: p.Asp473fs; shifts the reading frame from aspartic acid 473.
Molecular consequence: frameshift variant.
Genome position (GRCh38, 1-based): chr12:112,488,480, G deleted. VCF-style (leftmost placement, unchanged base first): chr12-112488479-TG-T. GRCh37 (hg19) VCF-style: chr12-112926283-TG-T.
Other names: c.1429del, p.Asp477fs (NM_001330437.2); c.1414del, p.Asp472fs (NM_001374625.1); short protein forms D472fs, D477fs, D473fs.
Identifiers: ClinVar variation 4724301 (VCV004724301.1).

ClinVar aggregate classification (germline): Pathogenic (1 of 4 stars; one submission).

Conditions:
RASopathy. Also called: rasopathies; Noonan spectrum disorder. Identifiers: Orphanet 536391, MedGen C5555857, MONDO:0021060.

Submission:

Labcorp Genetics (formerly Invitae), Labcorp
Classification: Pathogenic for RASopathy. Last evaluated: 2025-07-29. Review status: criteria provided, single submitter. Criteria: Invitae Variant Classification Sherloc (09022015). Collection method: clinical testing. Allele origin: germline.
Comment: This sequence change creates a premature translational stop signal (p.Asp473Ilefs*77) in the PTPN11 gene. It is expected to result in an absent or disrupted protein product. Loss-of-function variants in PTPN11 are known to be pathogenic (PMID: 20577567, 21533187). This variant is not present in population databases (gnomAD no frequency). This variant has not been reported in the literature in individuals affected with PTPN11-related conditions. For these reasons, this variant has been classified as Pathogenic.

Literature cited by the submitters: PubMed 20577567; PubMed 21533187.